The following is an entry in ClinVar:

NM_006302.3(MOGS):c.851G>A (p.Trp284Ter)

Gene: MOGS (mannosyl-oligosaccharide glucosidase; minus strand). Cytogenetic location: 2p13.1.
Variant type: single nucleotide variant.
Coding change: c.851G>A on transcript NM_006302.3 (MANE Select); coding-DNA position 851, G replaced by A.
Protein change: p.Trp284Ter; replaces tryptophan 284 with a stop codon.
Molecular consequence: nonsense.
Genome position (GRCh38, 1-based): chr2:74,462,938, C>T on the plus strand (G>A on the coding strand, the complement: MOGS is on the minus strand). VCF-style: chr2-74462938-C-T. GRCh37 (hg19) VCF-style: chr2-74690065-C-T.
Other names: c.533G>A, p.Trp178Ter (NM_001146158.2); short protein forms W178*, W284*.
Identifiers: ClinVar variation 841487 (VCV000841487.10), dbSNP rs749476593, ClinGen allele CA1724909.
Genomic context (GRCh38, chr2:74,462,938, plus strand): 5'-AGGGATCCTGGCAAGCCGAGGTAGCGTTCAGGGGGGGCCCCTGGGGGCCGATGCTGAAAC[C>T]AGCTATTTAGGCGACTCTTTACCATCTCTGTCAGCAGGGGCAGTCCTGGGTTGGAGGTCC-3'

ClinVar aggregate classification (germline): Pathogenic (1 of 4 stars; one submission).

Conditions:
MOGS-congenital disorder of glycosylation. Also called: MOGS-CDG; GLUCOSIDASE I DEFICIENCY; CDG IIb; CDG 2B. Identifiers: Orphanet 79330, MedGen C1853736, MONDO:0011629, OMIM 606056.

Allele frequency attached by ClinVar (database versions not stated): gnomAD exomes below 0.00001; TOPMed below 0.00001; ExAC 0.00001; gnomAD 0.00001.
gnomAD v4.1: 2 of 1,614,076 alleles (0.00012%); highest among the groups gnomAD compares: African/African-American, 0.0013%; no homozygotes.

Submission:

Labcorp Genetics (formerly Invitae), Labcorp
Classification: Pathogenic for MOGS-congenital disorder of glycosylation. Last evaluated: 2025-03-31. Review status: criteria provided, single submitter. Criteria: Invitae Variant Classification Sherloc (09022015). Collection method: clinical testing. Allele origin: germline.
Comment: This sequence change creates a premature translational stop signal (p.Trp284*) in the MOGS gene. While this is not anticipated to result in nonsense mediated decay, it is expected to disrupt the last 554 amino acid(s) of the MOGS protein. This variant is present in population databases (rs749476593, gnomAD 0.007%). This variant has not been reported in the literature in individuals affected with MOGS-related conditions. ClinVar contains an entry for this variant (Variation ID: 841487). This variant disrupts a region of the MOGS protein in which other variant(s) (p.Arg535*) have been determined to be pathogenic (PMID: 29235540, 33261925; internal data). This suggests that this is a clinically significant region of the protein, and that variants that disrupt it are likely to be disease-causing. For these reasons, this variant has been classified as Pathogenic.

Literature cited by the submitters: PubMed 29235540; PubMed 33261925.